The following is an entry in ClinVar:

ClinVar aggregate classification (germline): Uncertain significance (1 of 4 stars; one submission).

Allele frequency attached by ClinVar (database versions not stated): TOPMed 0.00001.
gnomAD v4.1: 28 of 1,613,688 alleles (0.0017%); highest among the groups gnomAD compares: Non-Finnish European, 0.0021%; no homozygotes.

Submission:

Labcorp Genetics (formerly Invitae), Labcorp
Classification: Uncertain significance. Last evaluated: 2022-11-24. Review status: criteria provided, single submitter. Criteria: Invitae Variant Classification Sherloc (09022015). Collection method: clinical testing. Allele origin: germline.
Comment: This sequence change replaces leucine, which is neutral and non-polar, with valine, which is neutral and non-polar, at codon 276 of the CSF2RB protein (p.Leu276Val). This variant is present in population databases (rs749754665, gnomAD 0.002%). This variant has not been reported in the literature in individuals affected with CSF2RB-related conditions. Advanced modeling of protein sequence and biophysical properties (such as structural, functional, and spatial information, amino acid conservation, physicochemical variation, residue mobility, and thermodynamic stability) performed at Invitae indicates that this missense variant is expected to disrupt CSF2RB protein function. In summary, the available evidence is currently insufficient to determine the role of this variant in disease. Therefore, it has been classified as a Variant of Uncertain Significance.

NM_000395.3(CSF2RB):c.826C>G (p.Leu276Val)

Gene: CSF2RB (colony stimulating factor 2 receptor subunit beta; plus strand). Cytogenetic location: 22q12.3.
Variant type: single nucleotide variant.
Coding change: c.826C>G on transcript NM_000395.3 (MANE Select); coding-DNA position 826, C replaced by G.
Protein change: p.Leu276Val; replaces leucine 276 with valine.
Molecular consequence: missense variant.
Genome position (GRCh38, 1-based): chr22:36,930,482, C>G. VCF-style: chr22-36930482-C-G. GRCh37 (hg19) VCF-style: chr22-37326524-C-G.
Other names: c.826C>G, p.Leu276Val (NM_001410827.1); short protein forms L276V.
Identifiers: ClinVar variation 2979804 (VCV002979804.3), dbSNP rs749754665, ClinGen allele CA323993967.